The following is an entry in ClinVar:

NM_032620.4(GTPBP3):c.512del (p.Ala171fs)

Gene: GTPBP3 (GTP binding protein 3, mitochondrial; plus strand). Cytogenetic location: 19p13.11.
Variant type: Deletion.
Coding change: c.512del on transcript NM_032620.4 (MANE Select); coding-DNA position 512, one base deleted (C; older notation c.512delC).
Protein change: p.Ala171fs; shifts the reading frame from alanine 171.
Molecular consequence: frameshift variant.
Genome position (GRCh38, 1-based): chr19:17,338,662, C deleted. VCF-style (leftmost placement, unchanged base first): chr19-17338661-GC-G. GRCh37 (hg19) VCF-style: chr19-17449470-GC-G.
Other names: c.512del, p.Ala171fs (NM_001128855.3, NM_133644.4); c.578del, p.Ala193fs (NM_001195422.1); short protein forms A171fs, A193fs.
Identifiers: ClinVar variation 1389465 (VCV001389465.6), dbSNP rs2145701153, ClinGen allele CA2573156141.

ClinVar aggregate classification (germline): Pathogenic (1 of 4 stars; one submission).

Submission:

Labcorp Genetics (formerly Invitae), Labcorp
Classification: Pathogenic. Last evaluated: 2024-06-11. Review status: criteria provided, single submitter. Criteria: Invitae Variant Classification Sherloc (09022015). Collection method: clinical testing. Allele origin: germline.
Comment: This sequence change creates a premature translational stop signal (p.Ala171Glyfs*114) in the GTPBP3 gene. It is expected to result in an absent or disrupted protein product. Loss-of-function variants in GTPBP3 are known to be pathogenic (PMID: 25434004). This variant is not present in population databases (gnomAD no frequency). This variant has not been reported in the literature in individuals affected with GTPBP3-related conditions. ClinVar contains an entry for this variant (Variation ID: 1389465). For these reasons, this variant has been classified as Pathogenic.

Literature cited by the submitters: PubMed 25434004.